The following is an entry in ClinVar:

NM_001009944.3(PKD1):c.7357C>T (p.Arg2453Cys)

Gene: PKD1 (polycystin 1, transient receptor potential channel interacting; minus strand). Cytogenetic location: 16p13.3.
Variant type: single nucleotide variant.
Coding change: c.7357C>T on transcript NM_001009944.3 (MANE Select); coding-DNA position 7357, C replaced by T.
Protein change: p.Arg2453Cys; replaces arginine 2453 with cysteine.
Molecular consequence: missense variant.
Genome position (GRCh38, 1-based): chr16:2,106,530, G>A on the plus strand (C>T on the coding strand, the complement: PKD1 is on the minus strand). VCF-style: chr16-2106530-G-A. GRCh37 (hg19) VCF-style: chr16-2156531-G-A.
Other names: c.7357C>T, p.Arg2453Cys (NM_000296.4); short protein forms R2453C.
Identifiers: ClinVar variation 3418996 (VCV003418996.3).

ClinVar aggregate classification (germline): Conflicting classifications of pathogenicity. Review status: criteria provided, conflicting classifications (1 of 4 stars). 3 submissions from 3 submitters: Uncertain significance (2); Likely benign (1). Last evaluated 2026-01-15.

Conditions:
Inborn genetic diseases. Identifiers: MedGen C0950123, MeSH D030342.
Polycystic kidney disease, adult type (PKD1). Also called: POLYCYSTIC KIDNEY DISEASE, ADULT, TYPE I; Polycystic Kidney Disease 1, Autosomal Dominant; Polycystic kidney disease 1; Polycystic kidney disease 1, severe; Polycystic Kidney, Autosomal Dominant; POLYCYSTIC KIDNEY DISEASE 1 WITH OR WITHOUT POLYCYSTIC LIVER DISEASE. Identifiers: MedGen C3149841, MONDO:0008263, OMIM 173900.
PKD1-related disorder. Also called: PKD1-related condition.

gnomAD v4.1: 32 of 1,596,120 alleles (0.002%); highest among the groups gnomAD compares: South Asian, 0.0088%; no homozygotes.

Submissions (3):

PreventionGenetics, part of Exact Sciences
Classification: Uncertain significance for PKD1-related condition. Last evaluated: 2026-01-15. Review status: criteria provided, single submitter. Criteria: ACMG Guidelines, 2015. Collection method: clinical testing. Allele origin: germline.
Comment: The PKD1 c.7357C>T variant is predicted to result in the amino acid substitution p.Arg2453Cys. To our knowledge, this variant has not been reported in the literature. The p.Arg2453 residue is weakly conserved. This variant is reported in 0.0059% of alleles in individuals of Latino descent in gnomAD. At this time, the clinical significance of this variant is uncertain due to the absence of conclusive functional and genetic evidence.

Ambry Genetics
Classification: Uncertain significance for Inborn genetic diseases. Last evaluated: 2024-06-25. Review status: criteria provided, single submitter. Criteria: Ambry Variant Classification Scheme 2023. Collection method: clinical testing. Allele origin: germline.

Fulgent Genetics
Classification: Likely benign for Polycystic kidney disease, adult type. Last evaluated: 2024-02-23. Review status: criteria provided, single submitter. Criteria: ACMG Guidelines, 2015. Collection method: clinical testing. Allele origin: germline.